The following is an entry in ClinVar:

ClinVar aggregate classification (germline): Conflicting classifications of pathogenicity. Review status: criteria provided, conflicting classifications (1 of 4 stars). 5 submissions from 5 submitters: Uncertain significance (4); Likely benign (1). Last evaluated 2025-09-30.

Conditions:
Hereditary spastic paraplegia. Also called: Familial spastic paraparesis. Identifiers: Orphanet 685, MedGen C0037773, MONDO:0019064. Disease mechanism: loss of function.
Neuropathy, hereditary sensory, type 2C. Also called: Hereditary sensory and autonomic neuropathy type IIC; KIF1A-Related HSAN2 (HSAN2C). Identifiers: Orphanet 970, MedGen C3280168, MONDO:0013634, OMIM 614213.
Intellectual disability, autosomal dominant 9 (NESCAVS). Also called: KIF1A-Related Neurodevelopmental Disorder; NESCAV SYNDROME. Identifiers: Orphanet 662367, MedGen C5393830, MONDO:0013656, OMIM 614255.
Hereditary spastic paraplegia 30. Identifiers: Orphanet 101010, MedGen C5235139, MONDO:0012476.

Allele frequency attached by ClinVar (database versions not stated): ExAC below 0.00001; gnomAD exomes 0.00001; gnomAD 0.00003; TOPMed 0.00005; ESP Exome Variant Server 0.00008.
gnomAD v4.1: 26 of 1,586,364 alleles (0.0016%); highest among the groups gnomAD compares: East Asian, 0.007%; no homozygotes.

Submissions (5):

Mayo Clinic Laboratories, Mayo Clinic
Classification: Uncertain significance. Last evaluated: 2025-09-30. Review status: criteria provided, single submitter. Criteria: ACMG Guidelines, 2015. Collection method: clinical testing. Allele origin: germline. Observed: 1 variant allele.
Comment: PP2

Labcorp Genetics (formerly Invitae), Labcorp
Classification: Likely benign for Hereditary spastic paraplegia 30; Neuropathy, hereditary sensory, type 2C; Intellectual disability, autosomal dominant 9. Last evaluated: 2024-09-03. Review status: criteria provided, single submitter. Criteria: Invitae Variant Classification Sherloc (09022015). Collection method: clinical testing. Allele origin: germline.

Blueprint Genetics
Classification: Uncertain significance. Last evaluated: 2023-07-21. Review status: criteria provided, single submitter. Criteria: ACMG Guidelines, 2015. Collection method: clinical testing. Allele origin: germline.

CeGaT Center for Human Genetics Tuebingen
Classification: Uncertain significance. Last evaluated: 2023-03-01. Review status: criteria provided, single submitter. Criteria: CeGaT Center For Human Genetics Tuebingen Variant Classification Criteria Version 2. Collection method: clinical testing. Allele origin: germline. Affected: yes. Observed: 3 variant alleles.
Comment: KIF1A: PM2, PP2

Genome Diagnostics Laboratory, The Hospital for Sick Children
Classification: Uncertain significance for Hereditary spastic paraplegia. Last evaluated: 2017-03-29. Review status: criteria provided, single submitter. Criteria: ACMG Guidelines, 2015. Collection method: clinical testing. Allele origin: germline. Affected: yes.

Literature cited by the submitters: PubMed 34999958 (cited by Mayo Clinic Laboratories, Mayo Clinic).

NM_001244008.2(KIF1A):c.3887G>A (p.Arg1296His)

Genes: KIF1A (kinesin family member 1A; minus strand), LOC126806583 (P300/CBP strongly-dependent group 1 enhancer GRCh37_chr2:241678910-241680109; plus strand). Cytogenetic location: 2q37.3.
Variant type: single nucleotide variant.
Coding change: c.3887G>A on transcript NM_001244008.2 (MANE Select); coding-DNA position 3887, G replaced by A.
Protein change: p.Arg1296His; replaces arginine 1296 with histidine.
Molecular consequence: missense variant.
Genome position (GRCh38, 1-based): chr2:240,740,072, C>T on the plus strand (G>A on the coding strand, the complement: KIF1A is on the minus strand). VCF-style: chr2-240740072-C-T. GRCh37 (hg19) VCF-style: chr2-241679489-C-T.
Other names: p.Arg1195His; c.3611G>A, p.Arg1204His (NM_001320705.2, NM_001330289.2, NM_001379638.1); c.3686G>A, p.Arg1229His (NM_001330290.2, NM_001379634.1, NM_001379635.1 and 1 more transcripts); c.3962G>A, p.Arg1321His (NM_001379631.1); c.3836G>A, p.Arg1279His (NM_001379632.1); c.3860G>A, p.Arg1287His (NM_001379633.1, NM_001379642.1, NM_001379645.1); c.3659G>A, p.Arg1220His (NM_001379648.1, NM_001379637.1); c.3584G>A, p.Arg1195His (NM_001379649.1, NM_001379650.1, NM_001379651.1 and 5 more transcripts); and 2 more; short protein forms R1195H, R1204H, R1229H, R1296H, R1194H, R1220H, R1279H, R1287H.
Identifiers: ClinVar variation 662255 (VCV000662255.52), dbSNP rs371517661, ClinGen allele CA2207607.